The following is an entry in ClinVar:

NM_001077350.3(NPRL3):c.794G>A (p.Ser265Asn)

Genes: HBA-LCR (alpha-globin locus control region; plus strand), NPRL3 (NPR3 like, GATOR1 complex subunit; minus strand). Cytogenetic location: 16p13.3.
Variant type: single nucleotide variant.
Coding change: c.794G>A on transcript NM_001077350.3 (MANE Select); coding-DNA position 794, G replaced by A.
Protein change: p.Ser265Asn; replaces serine 265 with asparagine.
Molecular consequence: missense variant.
Genome position (GRCh38, 1-based): chr16:98,275, C>T on the plus strand (G>A on the coding strand, the complement: NPRL3 is on the minus strand). VCF-style: chr16-98275-C-T. GRCh37 (hg19) VCF-style: chr16-148273-C-T.
Other names: c.257G>A, p.Ser86Asn (NM_001039476.3); c.560G>A, p.Ser187Asn (NM_001243247.2); c.719G>A, p.Ser240Asn (NM_001243248.2, NM_001243249.2); short protein forms S187N, S240N, S265N, S86N.
Identifiers: ClinVar variation 2504171 (VCV002504171.2), dbSNP rs2542826501, ClinGen allele CA394055750.

ClinVar aggregate classification (germline): Uncertain significance (1 of 4 stars; one submission).

Submission:

GeneDx
Classification: Uncertain significance. Last evaluated: 2025-09-04. Review status: criteria provided, single submitter. Criteria: GeneDx Variant Classification Process June 2021. Collection method: clinical testing. Allele origin: germline. Affected: yes.
Comment: Not observed at significant frequency in large population cohorts (gnomAD); In silico analysis suggests that this missense variant does not alter protein structure/function; Has not been previously published as pathogenic or benign to our knowledge; This variant is associated with the following publications: (PMID: 27535533)